The following is an entry in ClinVar:

ClinVar aggregate classification (germline): Uncertain significance (0 of 4 stars; one submission).

Conditions:
GGNBP2-related disorder. Also called: GGNBP2-related condition.

Allele frequency attached by ClinVar (database versions not stated): gnomAD exomes below 0.00001.
gnomAD v4.1: 1 of 1,614,092 alleles (0.000062%); highest among the groups gnomAD compares: Non-Finnish European, 0.000085%; no homozygotes.

Submission:

PreventionGenetics, part of Exact Sciences
Classification: Uncertain significance for GGNBP2-related condition. Last evaluated: 2024-01-18. Review status: no assertion criteria provided. Collection method: clinical testing. Allele origin: germline.
Comment: The GGNBP2 c.2038A>C variant is predicted to result in the amino acid substitution p.Asn680His. To our knowledge, this variant has not been reported in the literature or in a large population database, indicating this variant is rare. At this time, the clinical significance of this variant is uncertain due to the absence of conclusive functional and genetic evidence.

NM_024835.5(GGNBP2):c.2038A>C (p.Asn680His)

Gene: GGNBP2 (gametogenetin binding protein 2; plus strand). Cytogenetic location: 17q12.
Variant type: single nucleotide variant.
Coding change: c.2038A>C on transcript NM_024835.5 (MANE Select); coding-DNA position 2038, A replaced by C.
Protein change: p.Asn680His; replaces asparagine 680 with histidine.
Molecular consequence: missense variant.
Genome position (GRCh38, 1-based): chr17:36,589,355, A>C. VCF-style: chr17-36589355-A-C. GRCh37 (hg19) VCF-style: chr17-34945785-A-C.
Other names: short protein forms N680H.
Identifiers: ClinVar variation 3048771 (VCV003048771.2), dbSNP rs2074735175, ClinGen allele CA399172951.